The following is an entry in ClinVar:

ClinVar aggregate classification (germline): Likely benign. Review status: criteria provided, multiple submitters, no conflicts (2 of 4 stars). 3 submissions from 3 submitters: Likely benign (2). 1 of the submissions does not count toward it. Last evaluated 2021-07-14.

Conditions:
ARID2-related disorder. Also called: ARID2-related condition.
Inborn genetic diseases. Identifiers: MedGen C0950123, MeSH D030342.

Allele frequency attached by ClinVar (database versions not stated): gnomAD exomes 0.00003 and 0.00007; ExAC 0.00010; 1000 Genomes Project 30x 0.00016; 1000 Genomes Project 0.00020; ESP Exome Variant Server 0.00023; gnomAD 0.00023 and 0.00027; TOPMed 0.00035.
gnomAD v4.1: 78 of 1,614,148 alleles (0.0048%); highest among the groups gnomAD compares: African/African-American, 0.084%; no homozygotes.

Submissions (3):

Ambry Genetics
Classification: Likely benign for Inborn genetic diseases. Last evaluated: 2021-07-14. Review status: criteria provided, single submitter. Criteria: Ambry Variant Classification Scheme 2023. Collection method: clinical testing. Allele origin: germline.

Laboratorio de Genetica e Diagnostico Molecular, Hospital Israelita Albert Einstein
Classification: Likely benign. Last evaluated: 2020-06-02. Review status: criteria provided, single submitter. Criteria: ACMG Guidelines, 2015. Collection method: clinical testing. Allele origin: germline. Affected: yes.
Comment: ACMG classification criteria: BP1, BP4

PreventionGenetics, part of Exact Sciences
Classification: Likely benign for ARID2-related condition. Last evaluated: 2022-07-20. Review status: no assertion criteria provided. Collection method: clinical testing. Allele origin: germline. Not counted in ClinVar's aggregate classification.
Comment: This variant is classified as likely benign based on ACMG/AMP sequence variant interpretation guidelines (Richards et al. 2015 PMID: 25741868, with internal and published modifications).

NM_152641.4(ARID2):c.4241G>T (p.Arg1414Ile)

Gene: ARID2 (AT-rich interaction domain 2; plus strand). Cytogenetic location: 12q12.
Variant type: single nucleotide variant.
Coding change: c.4241G>T on transcript NM_152641.4 (MANE Select); coding-DNA position 4241, G replaced by T.
Protein change: p.Arg1414Ile; replaces arginine 1414 with isoleucine.
Molecular consequence: missense variant.
Genome position (GRCh38, 1-based): chr12:45,852,364, G>T. VCF-style: chr12-45852364-G-T. GRCh37 (hg19) VCF-style: chr12-46246147-G-T.
Other names: c.4241G>T, p.Arg1414Ile (NM_001347839.2); c.4241G>T (NM_152641.2, NM_152641.3); short protein forms R1414I.
Identifiers: ClinVar variation 1690883 (VCV001690883.7), dbSNP rs146518146, ClinGen allele CA6526613.